The following is an entry in ClinVar:

ClinVar aggregate classification (germline): Uncertain significance (1 of 4 stars; one submission).

Allele frequency attached by ClinVar (database versions not stated): gnomAD exomes below 0.00001; ExAC 0.00001; TOPMed 0.00002; gnomAD 0.00003; 1000 Genomes Project 0.00020.
gnomAD v4.1: 7 of 1,613,182 alleles (0.00043%); highest among the groups gnomAD compares: African/African-American, 0.008%; no homozygotes.

Submission:

GeneDx
Classification: Uncertain significance. Last evaluated: 2022-11-17. Review status: criteria provided, single submitter. Criteria: GeneDx Variant Classification Process June 2021. Collection method: clinical testing. Allele origin: germline. Affected: yes.
Comment: Not observed at significant frequency in large population cohorts (gnomAD); In silico analysis supports that this missense variant has a deleterious effect on protein structure/function; Has not been previously published as pathogenic or benign to our knowledge

NM_005886.3(KATNB1):c.1145A>G (p.Tyr382Cys)

Gene: KATNB1 (katanin regulatory subunit B1; plus strand). Cytogenetic location: 16q21.
Variant type: single nucleotide variant.
Coding change: c.1145A>G on transcript NM_005886.3 (MANE Select); coding-DNA position 1145, A replaced by G.
Protein change: p.Tyr382Cys; replaces tyrosine 382 with cysteine.
Molecular consequence: missense variant.
Genome position (GRCh38, 1-based): chr16:57,753,487, A>G. VCF-style: chr16-57753487-A-G. GRCh37 (hg19) VCF-style: chr16-57787399-A-G.
Other names: short protein forms Y382C.
Identifiers: ClinVar variation 2502718 (VCV002502718.1), dbSNP rs533676974, ClinGen allele CA8081040.